The following is an entry in ClinVar:

NM_018975.4(TERF2IP):c.286C>G (p.Leu96Val)

Gene: TERF2IP (TERF2 interacting protein; plus strand). Cytogenetic location: 16q23.1.
Variant type: single nucleotide variant.
Coding change: c.286C>G on transcript NM_018975.4 (MANE Select); coding-DNA position 286, C replaced by G.
Protein change: p.Leu96Val; replaces leucine 96 with valine.
Molecular consequence: missense variant. On other transcripts: non-coding transcript variant (1).
Genome position (GRCh38, 1-based): chr16:75,648,168, C>G. VCF-style: chr16-75648168-C-G. GRCh37 (hg19) VCF-style: chr16-75682066-C-G.
Other names: short protein forms L96V.
Identifiers: ClinVar variation 1797034 (VCV001797034.3), dbSNP rs1390672212, ClinGen allele CA396817600.

ClinVar aggregate classification (germline): Uncertain significance (1 of 4 stars; one submission).

gnomAD v4.1: 3 of 1,565,398 alleles (0.00019%); highest among the groups gnomAD compares: Non-Finnish European, 0.00017%; no homozygotes.

Submission:

Ambry Genetics
Classification: Uncertain significance. Last evaluated: 2024-08-17. Review status: criteria provided, single submitter. Criteria: Ambry Variant Classification Scheme 2023. Collection method: clinical testing. Allele origin: germline.
Comment: The p.L96V variant (also known as c.286C>G), located in coding exon 1 of the TERF2IP gene, results from a C to G substitution at nucleotide position 286. The leucine at codon 96 is replaced by valine, an amino acid with highly similar properties. This amino acid position is conserved. In addition, this alteration is predicted to be tolerated by in silico analysis. Since supporting evidence is limited at this time, the clinical significance of this alteration remains unclear.